The following is an entry in ClinVar:

ClinVar aggregate classification (germline): Uncertain significance (1 of 4 stars; one submission).

Submission:

Labcorp Genetics (formerly Invitae), Labcorp
Classification: Uncertain significance. Last evaluated: 2021-09-21. Review status: criteria provided, single submitter. Criteria: Invitae Variant Classification Sherloc (09022015). Collection method: clinical testing. Allele origin: germline.
Comment: This variant is not present in population databases (ExAC no frequency). This sequence change creates a premature translational stop signal (p.Gly524Hisfs*27) in the IL12RB2 gene. It is expected to result in an absent or disrupted protein product. However, the current clinical and genetic evidence is not sufficient to establish whether loss-of-function variants in IL12RB2 cause disease. This variant has not been reported in the literature in individuals affected with IL12RB2-related conditions. In summary, the available evidence is currently insufficient to determine the role of this variant in disease. Therefore, it has been classified as a Variant of Uncertain Significance.

NM_001374259.2(IL12RB2):c.1570_1589del (p.Gly524fs)

Gene: IL12RB2 (interleukin 12 receptor subunit beta 2; plus strand). Cytogenetic location: 1p31.3.
Variant type: Deletion.
Coding change: c.1570_1589del on transcript NM_001374259.2 (MANE Select); coding-DNA positions 1570 to 1589, 20 bases deleted (GGCCCCCACATTAATGCCAT).
Protein change: p.Gly524fs; shifts the reading frame from glycine 524.
Molecular consequence: frameshift variant. On other transcripts: non-coding transcript variant (1), intron variant (1).
Genome position (GRCh38, 1-based): chr1:67,372,636-67,372,655, GGCCCCCACATTAATGCCAT deleted; deleting any 20 consecutive bases within chr1:67,372,635-67,372,655 gives the same sequence; the c. name uses the placement nearest the transcript's 3' end. VCF-style (leftmost placement, unchanged base first): chr1-67372634-GTGGCCCCCACATTAATGCCA-G. GRCh37 (hg19) VCF-style: chr1-67838317-GTGGCCCCCACATTAATGCCA-G.
Other names: c.1570_1589del, p.Gly524fs (NM_001258214.1, NM_001258216.1, NM_001319233.1 and 1 more transcripts); c.1459+4611_1459+4630del (NM_001258215.1); short protein forms G524fs.
Identifiers: ClinVar variation 1520642 (VCV001520642.6), dbSNP rs2101016534, ClinGen allele CA2573132569.
Genomic context (GRCh38, chr1:67,372,634, plus strand): 5'-AATGATTTGGATTTGGAGGGTGACAGAAGCCTCCTGTGCCCTACTTTACAGCACCACTGA[GTGGCCCCCACATTAATGCCA>G]TCACAGAGGAAAAGGGGAGCATTTTAATTTCATGGAACAGCATTCCAGTCCAGGAGCAAA-3'